The following is an entry in ClinVar:

NM_213655.5(WNK1):c.3415T>C (p.Ser1139Pro)

Gene: WNK1 (WNK lysine deficient protein kinase 1; plus strand). Cytogenetic location: 12p13.33.
Variant type: single nucleotide variant.
Coding change: c.3415T>C on transcript NM_213655.5 (MANE Plus Clinical); coding-DNA position 3415, T replaced by C.
Protein change: p.Ser1139Pro; replaces serine 1139 with proline.
Molecular consequence: missense variant. On other transcripts: intron variant (2).
Genome position (GRCh38, 1-based): chr12:868,886, T>C. VCF-style: chr12-868886-T-C. GRCh37 (hg19) VCF-style: chr12-978052-T-C.
Other names: c.3160T>C, p.Ser1054Pro (NM_001184985.2); c.2140-2379T>C (NM_018979.4, NM_014823.3); short protein forms S1054P, S1139P.
Identifiers: ClinVar variation 1023297 (VCV001023297.7), dbSNP rs748557001, ClinGen allele CA6382354.

ClinVar aggregate classification (germline): Uncertain significance. Review status: criteria provided, multiple submitters, no conflicts (2 of 4 stars). 2 submissions from 2 submitters: Uncertain significance (2). Last evaluated 2022-03-31.

Conditions:
Pseudohypoaldosteronism type 2C (PHA2C). Also called: Pseudohypoaldosteronism Type IIC. Identifiers: Orphanet 757, Orphanet 88940, MedGen C1840391, MONDO:0013778, OMIM 614492.
Neuropathy, hereditary sensory and autonomic, type 2A (HSAN2A). Also called: ACROOSTEOLYSIS, GIACCAI TYPE; ACROOSTEOLYSIS, NEUROGENIC; MORVAN DISEASE; NEUROPATHY, CONGENITAL SENSORY; NEUROPATHY, HEREDITARY SENSORY RADICULAR, AUTOSOMAL RECESSIVE; NEUROPATHY, HEREDITARY SENSORY, TYPE IIA. Identifiers: Orphanet 970, MedGen C2752089, MONDO:0024309, OMIM 201300.

Allele frequency attached by ClinVar (database versions not stated): gnomAD exomes 0.00001 and 0.00002; TOPMed 0.00001; ExAC 0.00002; gnomAD 0.00001.
gnomAD v4.1: 10 of 1,608,764 alleles (0.00062%); highest among the groups gnomAD compares: Admixed American, 0.005%; no homozygotes.

Submissions (2):

Fulgent Genetics
Classification: Uncertain significance for Neuropathy, hereditary sensory and autonomic, type 2A; Pseudohypoaldosteronism type 2C. Last evaluated: 2022-03-31. Review status: criteria provided, single submitter. Criteria: ACMG Guidelines, 2015. Collection method: clinical testing. Allele origin: unknown.

Labcorp Genetics (formerly Invitae), Labcorp
Classification: Uncertain significance for Neuropathy, hereditary sensory and autonomic, type 2A; Pseudohypoaldosteronism type 2C. Last evaluated: 2021-12-17. Review status: criteria provided, single submitter. Criteria: Invitae Variant Classification Sherloc (09022015). Collection method: clinical testing. Allele origin: germline.
Comment: This variant is present in population databases (rs748557001, gnomAD 0.006%). This sequence change replaces serine, which is neutral and polar, with proline, which is neutral and non-polar, at codon 1139 of the WNK1 protein (p.Ser1139Pro). This variant has not been reported in the literature in individuals affected with WNK1-related conditions. In summary, the available evidence is currently insufficient to determine the role of this variant in disease. Therefore, it has been classified as a Variant of Uncertain Significance. Advanced modeling of protein sequence and biophysical properties (such as structural, functional, and spatial information, amino acid conservation, physicochemical variation, residue mobility, and thermodynamic stability) performed at Invitae indicates that this missense variant is not expected to disrupt WNK1 protein function. ClinVar contains an entry for this variant (Variation ID: 1023297).